The following is an entry in ClinVar:

NM_138295.5(PKD1L1):c.2534C>T (p.Ala845Val)

Gene: PKD1L1 (polycystin 1 like 1, transient receptor potential channel interacting; minus strand). Cytogenetic location: 7p12.3.
Variant type: single nucleotide variant.
Coding change: c.2534C>T on transcript NM_138295.5 (MANE Select); coding-DNA position 2534, C replaced by T.
Protein change: p.Ala845Val; replaces alanine 845 with valine.
Molecular consequence: missense variant.
Genome position (GRCh38, 1-based): chr7:47,890,683, G>A on the plus strand (C>T on the coding strand, the complement: PKD1L1 is on the minus strand). VCF-style: chr7-47890683-G-A. GRCh37 (hg19) VCF-style: chr7-47930281-G-A.
Other names: short protein forms A845V.
Identifiers: ClinVar variation 2469564 (VCV002469564.4), dbSNP rs758340178, ClinGen allele CA4253701.

ClinVar aggregate classification (germline): Uncertain significance. Review status: criteria provided, multiple submitters, no conflicts (2 of 4 stars). 3 submissions from 3 submitters: Uncertain significance (3). Last evaluated 2025-12-23.

Conditions:
PKD1L1-related disorder. Also called: PKD1L1-related condition.
Inborn genetic diseases. Identifiers: MedGen C0950123, MeSH D030342.

Allele frequency attached by ClinVar (database versions not stated): gnomAD 0.00005; TOPMed 0.00006; ExAC 0.00007; gnomAD exomes 0.00007.
gnomAD v4.1: 110 of 1,613,826 alleles (0.0068%); highest among the groups gnomAD compares: East Asian, 0.029%; no homozygotes.

Submissions (3):

PreventionGenetics, part of Exact Sciences
Classification: Uncertain significance for PKD1L1-related condition. Last evaluated: 2025-12-23. Review status: criteria provided, single submitter. Criteria: ACMG Guidelines, 2015. Collection method: clinical testing. Allele origin: germline.
Comment: The PKD1L1 c.2534C>T variant is predicted to result in the amino acid substitution p.Ala845Val. To our knowledge, this variant has not been reported in the literature. This variant is reported in 0.045% of alleles in individuals of East Asian descent in gnomAD. At this time, the clinical significance of this variant is uncertain due to the absence of conclusive functional and genetic evidence.

Labcorp Genetics (formerly Invitae), Labcorp
Classification: Uncertain significance. Last evaluated: 2025-10-21. Review status: criteria provided, single submitter. Criteria: Invitae Variant Classification Sherloc (09022015). Collection method: clinical testing. Allele origin: germline.
Comment: This sequence change replaces alanine, which is neutral and non-polar, with valine, which is neutral and non-polar, at codon 845 of the PKD1L1 protein (p.Ala845Val). This variant is present in population databases (rs758340178, gnomAD 0.04%). This variant has not been reported in the literature in individuals affected with PKD1L1-related conditions. ClinVar contains an entry for this variant (Variation ID: 2469564). Invitae Evidence Modeling of protein sequence and biophysical properties (such as structural, functional, and spatial information, amino acid conservation, physicochemical variation, residue mobility, and thermodynamic stability) indicates that this missense variant is not expected to disrupt PKD1L1 protein function with a negative predictive value of 80%. In summary, the available evidence is currently insufficient to determine the role of this variant in disease. Therefore, it has been classified as a Variant of Uncertain Significance.

Ambry Genetics
Classification: Uncertain significance for Inborn genetic diseases. Last evaluated: 2023-02-06. Review status: criteria provided, single submitter. Criteria: Ambry Variant Classification Scheme 2023. Collection method: clinical testing. Allele origin: germline.